The following is an entry in ClinVar:

ClinVar aggregate classification (germline): Uncertain significance (1 of 4 stars; one submission).

Allele frequency attached by ClinVar (database versions not stated): gnomAD exomes below 0.00001.
gnomAD v4.1: 3 of 1,614,166 alleles (0.00019%); highest among the groups gnomAD compares: Admixed American, 0.0033%; no homozygotes.

Submission:

GeneDx
Classification: Uncertain significance. Last evaluated: 2023-02-23. Review status: criteria provided, single submitter. Criteria: GeneDx Variant Classification Process June 2021. Collection method: clinical testing. Allele origin: germline. Affected: yes.
Comment: Not observed at significant frequency in large population cohorts (gnomAD); In silico analysis supports that this missense variant does not alter protein structure/function; Has not been previously published as pathogenic or benign to our knowledge

NM_003383.5(VLDLR):c.1534G>A (p.Val512Ile)

Gene: VLDLR (very low density lipoprotein receptor; plus strand). Cytogenetic location: 9p24.2.
Variant type: single nucleotide variant.
Coding change: c.1534G>A on transcript NM_003383.5 (MANE Select); coding-DNA position 1534, G replaced by A.
Protein change: p.Val512Ile; replaces valine 512 with isoleucine.
Molecular consequence: missense variant.
Genome position (GRCh38, 1-based): chr9:2,646,383, G>A. VCF-style: chr9-2646383-G-A. GRCh37 (hg19) VCF-style: chr9-2646383-G-A.
Other names: c.1534G>A, p.Val512Ile (NM_001018056.3); c.1411G>A, p.Val471Ile (NM_001322225.2, NM_001322226.2); short protein forms V471I, V512I.
Identifiers: ClinVar variation 2577754 (VCV002577754.1), dbSNP rs1289161211, ClinGen allele CA372794972.
Genomic context (GRCh38, chr9:2,646,383, plus strand): 5'-TTCTGTTTCAGTGCCTCAATTGATGACAAGGTTGGTAGACATGTTAAAATGATCGACAAT[G>A]TCTATAATCCTGCAGCCATTGCTGTTGATTGGGTGTACAAGACCATCTACTGGACTGATG-3'
Protein context (NP_003374.3, residues 502-522): VGRHVKMIDN[Val512Ile]YNPAAIAVDW